The following is an entry in ClinVar:

ClinVar aggregate classification (germline): Uncertain significance. Review status: criteria provided, multiple submitters, no conflicts (2 of 4 stars). 2 submissions from 2 submitters: Uncertain significance (2). Last evaluated 2024-04-22.

Conditions:
Fraser syndrome 2 (FRASRS2). Identifiers: MedGen C4540036, MONDO:0054738, OMIM 617666.
Isolated cryptophthalmia. Also called: Cryptophthalmos, unilateral or bilateral, isolated; ANKYLOBLEPHARON, SIMPLE. Identifiers: Orphanet 91396, MedGen C1852453, MONDO:0007410, OMIM 123570.

Allele frequency attached by ClinVar (database versions not stated): gnomAD exomes 0.00001; ExAC 0.00004; gnomAD 0.00015; TOPMed 0.00016; ESP Exome Variant Server 0.00023.
gnomAD v4.1: 41 of 1,614,000 alleles (0.0025%); highest among the groups gnomAD compares: African/African-American, 0.052%; no homozygotes.

Submissions (2):

Fulgent Genetics
Classification: Uncertain significance for Isolated cryptophthalmia; Fraser syndrome 2. Last evaluated: 2024-04-22. Review status: criteria provided, single submitter. Criteria: ACMG Guidelines, 2015. Collection method: clinical testing. Allele origin: germline.

Labcorp Genetics (formerly Invitae), Labcorp
Classification: Uncertain significance. Last evaluated: 2022-06-11. Review status: criteria provided, single submitter. Criteria: Invitae Variant Classification Sherloc (09022015). Collection method: clinical testing. Allele origin: germline.
Comment: This sequence change replaces valine, which is neutral and non-polar, with methionine, which is neutral and non-polar, at codon 430 of the FREM2 protein (p.Val430Met). This variant is present in population databases (rs143148419, gnomAD 0.04%). This variant has not been reported in the literature in individuals affected with FREM2-related conditions. Algorithms developed to predict the effect of missense changes on protein structure and function are either unavailable or do not agree on the potential impact of this missense change (SIFT: "Deleterious"; PolyPhen-2: "Benign"; Align-GVGD: "Class C0"). In summary, the available evidence is currently insufficient to determine the role of this variant in disease. Therefore, it has been classified as a Variant of Uncertain Significance.

NM_207361.6(FREM2):c.1288G>A (p.Val430Met)

Gene: FREM2 (FRAS1 related extracellular matrix 2; plus strand). Cytogenetic location: 13q13.3.
Variant type: single nucleotide variant.
Coding change: c.1288G>A on transcript NM_207361.6 (MANE Select); coding-DNA position 1288, G replaced by A.
Protein change: p.Val430Met; replaces valine 430 with methionine.
Molecular consequence: missense variant.
Genome position (GRCh38, 1-based): chr13:38,688,632, G>A. VCF-style: chr13-38688632-G-A. GRCh37 (hg19) VCF-style: chr13-39262769-G-A.
Other names: short protein forms V430M.
Identifiers: ClinVar variation 2072786 (VCV002072786.2), dbSNP rs143148419, ClinGen allele CA6954377.